The following is an entry in ClinVar:

ClinVar aggregate classification (germline): Uncertain significance (1 of 4 stars; one submission).

Conditions:
Progressive myoclonic epilepsy type 3. Also called: EPILEPSY, PROGRESSIVE MYOCLONIC, 3, WITH OR WITHOUT INTRACELLULAR INCLUSIONS; CEROID LIPOFUSCINOSIS, NEURONAL, 14; EPILEPSY, PROGRESSIVE MYOCLONIC, 3, WITHOUT INTRACELLULAR INCLUSIONS; KCTD7-Related Progressive Myoclonic Epilepsy. Identifiers: Orphanet 263516, MedGen C2673257, MONDO:0012721, OMIM 611726.

Submission:

Labcorp Genetics (formerly Invitae), Labcorp
Classification: Uncertain significance for Progressive myoclonic epilepsy type 3. Last evaluated: 2022-07-06. Review status: criteria provided, single submitter. Criteria: Invitae Variant Classification Sherloc (09022015). Collection method: clinical testing. Allele origin: germline.
Comment: In summary, the available evidence is currently insufficient to determine the role of this variant in disease. Therefore, it has been classified as a Variant of Uncertain Significance. This variant has not been reported in the literature in individuals affected with KCTD7-related conditions. This variant results in a copy number gain of the genomic region encompassing exon(s) 1-3 of the KCTD7 gene. This region includes the initiator codon of the gene. This copy number gain extends beyond the assayed region for this gene and therefore may encompass additional genes. As the precise location of this event is unknown, it may be in tandem or it may be located elsewhere in the genome.

NC_000007.13:g.(?_66094052)_(66103438_?)dup

Gene: KCTD7 (potassium channel tetramerization domain containing 7; plus strand). Cytogenetic location: 7q11.21.
Variant type: Duplication.
Identifiers: ClinVar variation 2427427 (VCV002427427.4).